The following is an entry in ClinVar:

ClinVar aggregate classification (germline): Uncertain significance (1 of 4 stars; one submission).

Conditions:
Intellectual developmental disorder, X-linked, syndromic, Turner type. Also called: X-linked intellectual disability, Turner type; Intellectual disability, X-linked syndromic, Turner type. Identifiers: Orphanet 3056, Orphanet 85328, MedGen C2678046, MONDO:0010407, OMIM 309590.

Submission:

Laboratorio de Genetica e Diagnostico Molecular, Hospital Israelita Albert Einstein
Classification: Uncertain significance for Intellectual developmental disorder, X-linked, syndromic, Turner type. Last evaluated: 2022-08-19. Review status: criteria provided, single submitter. Criteria: ACMG Guidelines, 2015. Collection method: clinical testing. Allele origin: germline. Affected: yes. Observed: 1 variant allele.
Comment: ACMG classification criteria: PM2 moderated, BP4 supporting

NM_031407.7(HUWE1):c.9118G>A (p.Glu3040Lys)

Gene: HUWE1 (HECT, UBA and WWE domain containing E3 ubiquitin protein ligase 1; minus strand). Cytogenetic location: Xp11.22.
Variant type: single nucleotide variant.
Coding change: c.9118G>A on transcript NM_031407.7 (MANE Select); coding-DNA position 9118, G replaced by A.
Protein change: p.Glu3040Lys; replaces glutamic acid 3040 with lysine.
Molecular consequence: missense variant.
Genome position (GRCh38, 1-based): chrX:53,551,168, C>T on the plus strand (G>A on the coding strand, the complement: HUWE1 is on the minus strand). VCF-style: chrX-53551168-C-T. GRCh37 (hg19) VCF-style: chrX-53578129-C-T.
Other names: short protein forms E3040K.
Identifiers: ClinVar variation 2431645 (VCV002431645.1), dbSNP rs2523331736, ClinGen allele CA413142477.
Genomic context (GRCh38, chrX:53,551,168, plus strand): 5'-TCACAGGGTCCATAGGGGTGTCTGAGCTGGCATTCTGTGCTAGTTCTCGTCGCTGCTGCT[C>T]AGCTCTCTGCTGTGCCAGTACCTATGGAGCAGAAAAAGTCAATGAGGGCATTTCTCCTGC-3'
Protein context (NP_113584.3, residues 3030-3050): QEEVLAQQRA[Glu3040Lys]QQRRELAQNA